The following is an entry in ClinVar:

ClinVar aggregate classification (germline): Uncertain significance (1 of 4 stars; one submission).

gnomAD v4.1: 1 of 1,560,006 alleles (0.000064%); highest among the groups gnomAD compares: Non-Finnish European, 0.000086%; no homozygotes.

Submission:

Ambry Genetics
Classification: Uncertain significance. Last evaluated: 2026-04-09. Review status: criteria provided, single submitter. Criteria: Ambry Variant Classification Scheme 2023. Collection method: clinical testing. Allele origin: germline.
Comment: The c.862G>T (p.G288C) alteration is located in exon 1 (coding exon 1) of the IRF2BP2 gene. This alteration results from a G to T substitution at nucleotide position 862, causing the glycine (G) at amino acid position 288 to be replaced by a cysteine (C). Based on data from gnomAD, the T allele has an overall frequency of <0.001% (0/177750) total alleles studied. The highest observed frequency was <0.001% (/) of alleles. Based on insufficient or conflicting evidence, the clinical significance of this alteration remains unclear.

NM_182972.3(IRF2BP2):c.862G>T (p.Gly288Cys)

Gene: IRF2BP2 (interferon regulatory factor 2 binding protein 2; minus strand). Cytogenetic location: 1q42.3.
Variant type: single nucleotide variant.
Coding change: c.862G>T on transcript NM_182972.3 (MANE Select); coding-DNA position 862, G replaced by T.
Protein change: p.Gly288Cys; replaces glycine 288 with cysteine.
Molecular consequence: missense variant.
Genome position (GRCh38, 1-based): chr1:234,608,633, C>A on the plus strand (G>T on the coding strand, the complement: IRF2BP2 is on the minus strand). VCF-style: chr1-234608633-C-A. GRCh37 (hg19) VCF-style: chr1-234744379-C-A.
Other names: c.862G>T, p.Gly288Cys (NM_001077397.1); short protein forms G288C.
Identifiers: ClinVar variation 4858476 (VCV004858476.1).